The following is an entry in ClinVar:

ClinVar aggregate classification (germline): Uncertain significance. Review status: criteria provided, multiple submitters, no conflicts (2 of 4 stars). 2 submissions from 2 submitters: Uncertain significance (2). Last evaluated 2022-09-30.

Allele frequency attached by ClinVar (database versions not stated): gnomAD exomes below 0.00001.
gnomAD v4.1: 1 of 1,468,092 alleles (0.000068%); highest among the groups gnomAD compares: Non-Finnish European, 0.00009%; no homozygotes.

Submissions (2):

Blueprint Genetics
Classification: Uncertain significance. Last evaluated: 2022-09-30. Review status: criteria provided, single submitter. Criteria: ACMG Guidelines, 2015. Collection method: clinical testing. Allele origin: germline.

Labcorp Genetics (formerly Invitae), Labcorp
Classification: Uncertain significance. Last evaluated: 2020-08-19. Review status: criteria provided, single submitter. Criteria: Invitae Variant Classification Sherloc (09022015). Collection method: clinical testing. Allele origin: germline.
Comment: This sequence change replaces arginine with cysteine at codon 397 of the RIMS1 protein (p.Arg397Cys). The arginine residue is weakly conserved and there is a large physicochemical difference between arginine and cysteine. The frequency data for this variant in the population databases is considered unreliable, as metrics indicate insufficient coverage at this position in the ExAC database. Algorithms developed to predict the effect of missense changes on protein structure and function are either unavailable or do not agree on the potential impact of this missense change (SIFT: "Deleterious"; PolyPhen-2: "Possibly Damaging"; Align-GVGD: "Class C0"). In summary, the available evidence is currently insufficient to determine the role of this variant in disease. Therefore, it has been classified as a Variant of Uncertain Significance. This variant has not been reported in the literature in individuals with RIMS1-related conditions.

NM_014989.7(RIMS1):c.1189C>T (p.Arg397Cys)

Gene: RIMS1 (regulating synaptic membrane exocytosis 1; plus strand). Cytogenetic location: 6q13.
Variant type: single nucleotide variant.
Coding change: c.1189C>T on transcript NM_014989.7 (MANE Select); coding-DNA position 1189, C replaced by T.
Protein change: p.Arg397Cys; replaces arginine 397 with cysteine.
Molecular consequence: missense variant.
Genome position (GRCh38, 1-based): chr6:72,182,660, C>T. VCF-style: chr6-72182660-C-T. GRCh37 (hg19) VCF-style: chr6-72892363-C-T.
Other names: short protein forms R397C.
Identifiers: ClinVar variation 1022486 (VCV001022486.9), dbSNP rs2048538281, ClinGen allele CA364820448.